The following is an entry in ClinVar:

ClinVar aggregate classification (germline): Likely pathogenic (1 of 4 stars; one submission).

Conditions:
Hereditary hemochromatosis (HFE). Identifiers: MedGen C0392514, MONDO:0006507. Disease mechanism: loss of function.

Submission:

Labcorp Genetics (formerly Invitae), Labcorp
Classification: Likely pathogenic for Hereditary hemochromatosis. Last evaluated: 2025-12-23. Review status: criteria provided, single submitter. Criteria: Invitae Variant Classification Sherloc (09022015). Collection method: clinical testing. Allele origin: germline.
Comment: This sequence change affects a donor splice site in intron 1 of the HFE gene. It is expected to disrupt RNA splicing. Variants that disrupt the donor or acceptor splice site typically lead to a loss of protein function (PMID: 16199547), and loss-of-function variants in HFE are known to be pathogenic (PMID: 27518069). This variant is not present in population databases (gnomAD no frequency). This variant has not been reported in the literature in individuals affected with HFE-related conditions. Algorithms developed to predict the effect of sequence changes on RNA splicing suggest that this variant may disrupt the consensus splice site. In summary, the currently available evidence indicates that the variant is pathogenic, but additional data are needed to prove that conclusively. Therefore, this variant has been classified as Likely Pathogenic.

Literature cited by the submitters: PubMed 16199547; PubMed 27518069.

NM_000410.4(HFE):c.76+2T>G

Genes: HFE (homeostatic iron regulator; plus strand), HFE-AS1 (HFE antisense RNA 1; minus strand). Cytogenetic location: 6p22.2.
Variant type: single nucleotide variant.
Coding change: c.76+2T>G on transcript NM_000410.4 (MANE Select); the canonical splice donor site of the intron after coding-DNA position 76, T replaced by G.
Molecular consequence: splice donor variant. On other transcripts: non-coding transcript variant (1).
Genome position (GRCh38, 1-based): chr6:26,087,518, T>G. VCF-style: chr6-26087518-T-G. GRCh37 (hg19) VCF-style: chr6-26087746-T-G.
Other names: c.76+2T>G (NM_001406751.1, NM_001384164.1, NM_001300749.3 and 9 more transcripts).
Identifiers: ClinVar variation 4746628 (VCV004746628.1).